The following is an entry in ClinVar:

ClinVar aggregate classification (germline): Conflicting classifications of pathogenicity. Review status: criteria provided, conflicting classifications (1 of 4 stars). 3 submissions from 3 submitters: Pathogenic (1); Likely pathogenic (1); Uncertain significance (1). Last evaluated 2022-10-31.

Conditions:
SCN1A-related disorder. Also called: SCN1A-related disorders; SCN1A-related conditions; SCN1A-related condition.
Early-infantile DEE. Also called: Early infantile epileptic encephalopathy with suppression bursts; Early infantile epileptic encephalopathy; Ohtahara syndrome. Identifiers: Orphanet 1934, MedGen C0393706, MONDO:0800491.

Submissions (3):

PreventionGenetics, part of Exact Sciences
Classification: Likely pathogenic for SCN1A-related condition. Last evaluated: 2022-10-31. Review status: criteria provided, single submitter. Criteria: ACMG Guidelines, 2015. Collection method: clinical testing. Allele origin: germline.
Comment: The SCN1A c.4338+5G>A variant is predicted to interfere with splicing. To our knowledge, this variant has not been reported in the literature or in a large population database, indicating this variant is rare. This variant is interpreted as likely pathogenic.

Labcorp Genetics (formerly Invitae), Labcorp
Classification: Pathogenic for Early-infantile DEE. Last evaluated: 2022-05-31. Review status: criteria provided, single submitter. Criteria: Invitae Variant Classification Sherloc (09022015). Collection method: clinical testing. Allele origin: germline.
Comment: Variants that disrupt the consensus splice site are a relatively common cause of aberrant splicing (PMID: 17576681, 9536098). Algorithms developed to predict the effect of sequence changes on RNA splicing suggest that this variant may disrupt the consensus splice site. For these reasons, this variant has been classified as Pathogenic. ClinVar contains an entry for this variant (Variation ID: 206825). This sequence change falls in intron 22 of the SCN1A gene. It does not directly change the encoded amino acid sequence of the SCN1A protein. It affects a nucleotide within the consensus splice site. This variant is not present in population databases (gnomAD no frequency). This variant has been observed in individual(s) with SCN1A-related conditions (Invitae). In at least one individual the variant was observed to be de novo.

GeneDx
Classification: Uncertain significance. Last evaluated: 2014-05-19. Review status: criteria provided, single submitter. Criteria: GeneDx Variant Classification (06012015). Collection method: clinical testing. Allele origin: germline. Affected: yes.
Comment: c.4338+5 G>A: IVS22+5 G>A in intron 22 of the SCN1A gene (NM_001165963.1) The c.4338+5 G>A variant has not been published as a mutation, nor has it been reported as a benign polymorphism to our knowledge. It was not observed in approximately 6,500 individuals of European and African American ancestry in the NHLBI Exome Sequencing Project, indicating it is not a common benign variant in these populations. Several in-silico splice prediction models predict that c.4338+5 G>A destroys the natural splice donor site in intron 22, which may lead to abnormal gene splicing. However, in the absence of RNA/functional studies, the actual effect of this sequence change is unknown. Therefore, based on the currently available information, it is unclear whether this variant is a pathogenic mutation or a rare benign variant. The variant is found in EPILEPSY panel(s).

Literature cited by the submitters: PubMed 17576681 (cited by Labcorp Genetics (formerly Invitae), Labcorp); PubMed 9536098 (cited by Labcorp Genetics (formerly Invitae), Labcorp).

NM_001165963.4(SCN1A):c.4338+5G>A

Genes: SCN1A (sodium voltage-gated channel alpha subunit 1; minus strand), LOC102724058 (uncharacterized LOC102724058; plus strand). Cytogenetic location: 2q24.3.
Variant type: single nucleotide variant.
Coding change: c.4338+5G>A on transcript NM_001165963.4 (MANE Select); 5 bases into the intron after coding-DNA position 4338, G replaced by A.
Molecular consequence: intron variant.
Genome position (GRCh38, 1-based): chr2:165,999,718, C>T on the plus strand (G>A on the coding strand, the complement: SCN1A is on the minus strand). VCF-style: chr2-165999718-C-T. GRCh37 (hg19) VCF-style: chr2-166856228-C-T.
Other names: c.4305+5G>A (NM_001353949.2, NM_001353950.2, NM_001353951.2 and 2 more transcripts); c.4254+5G>A (NM_001353958.2, NM_001353957.2, NM_001165964.3); c.4338+5G>A (NM_001202435.3, NM_001353948.2, NM_001202435.1); c.4302+5G>A (NM_001353955.2, NM_001353954.2); c.4251+5G>A (NM_001353960.2); c.1896+5G>A (NM_001353961.2).
Identifiers: ClinVar variation 206825 (VCV000206825.7), dbSNP rs796053011, ClinGen allele CA317454.
Genomic context (GRCh38, chr2:165,999,718, plus strand): 5'-TTATTCGATTAATTTTACCACCTGATCAATATTGTAAAAAGACTTAGAATACAAGGAATA[C>T]TTACATTTCTGGAATCAACTGCTGCATACATTATATCCATCCATCCTTTGAATGTGGCCT-3'